The following is an entry in ClinVar:

NM_000235.4(LIPA):c.239C>A (p.Pro80Gln)

Gene: LIPA (lipase A, lysosomal acid type; minus strand). Cytogenetic location: 10q23.31.
Variant type: single nucleotide variant.
Coding change: c.239C>A on transcript NM_000235.4 (MANE Select); coding-DNA position 239, C replaced by A.
Protein change: p.Pro80Gln; replaces proline 80 with glutamine.
Molecular consequence: missense variant. On other transcripts: 5 prime UTR variant (1).
Genome position (GRCh38, 1-based): chr10:89,228,389, G>T on the plus strand (C>A on the coding strand, the complement: LIPA is on the minus strand). VCF-style: chr10-89228389-G-T. GRCh37 (hg19) VCF-style: chr10-90988146-G-T.
Other names: c.239C>A, p.Pro80Gln (NM_001127605.3); c.-110C>A (NM_001288979.2); short protein forms P80Q.
Identifiers: ClinVar variation 3867312 (VCV003867312.1).

ClinVar aggregate classification (germline): Uncertain significance (1 of 4 stars; one submission).

Conditions:
Cardiovascular phenotype. Identifiers: MedGen CN230736.

Submission:

Ambry Genetics
Classification: Uncertain significance for Cardiovascular phenotype. Last evaluated: 2025-03-02. Review status: criteria provided, single submitter. Criteria: Ambry Variant Classification Scheme 2023. Collection method: clinical testing. Allele origin: germline.
Comment: The p.P80Q variant (also known as c.239C>A), located in coding exon 3 of the LIPA gene, results from a C to A substitution at nucleotide position 239. The proline at codon 80 is replaced by glutamine, an amino acid with similar properties. This amino acid position is conserved. In addition, the in silico prediction for this alteration is inconclusive. Based on the available evidence, the clinical significance of this variant remains unclear.